The following is an entry in ClinVar:

NM_021098.3(CACNA1H):c.5824G>T (p.Ala1942Ser)

Gene: CACNA1H (calcium voltage-gated channel subunit alpha1 H; plus strand). Cytogenetic location: 16p13.3.
Variant type: single nucleotide variant.
Coding change: c.5824G>T on transcript NM_021098.3 (MANE Select); coding-DNA position 5824, G replaced by T.
Protein change: p.Ala1942Ser; replaces alanine 1942 with serine.
Molecular consequence: missense variant.
Genome position (GRCh38, 1-based): chr16:1,218,588, G>T. VCF-style: chr16-1218588-G-T. GRCh37 (hg19) VCF-style: chr16-1268588-G-T.
Other names: c.5806G>T, p.Ala1936Ser (NM_001005407.2); short protein forms A1936S, A1942S.
Identifiers: ClinVar variation 958059 (VCV000958059.10), dbSNP rs1970223117, ClinGen allele CA394147965.

ClinVar aggregate classification (germline): Uncertain significance. Review status: criteria provided, multiple submitters, no conflicts (2 of 4 stars). 2 submissions from 2 submitters: Uncertain significance (2). Last evaluated 2024-09-21.

Conditions:
Hyperaldosteronism, familial, type IV (HALD4). Also called: FH IV; ALDOSTERONISM, PRIMARY, AND HYPERTENSION. Identifiers: Orphanet 642671, MedGen C4310756, MONDO:0014875, OMIM 617027.
Idiopathic generalized epilepsy. Also called: Generalised epilepsy; EIG. Identifiers: MedGen C0270850, MONDO:0005579, OMIM 600669.
Epilepsy, childhood absence, susceptibility to, 6. Identifiers: Orphanet 64280, MedGen C2749872, MONDO:0012763, OMIM 611942.

Allele frequency attached by ClinVar (database versions not stated): TOPMed below 0.00001.

Submissions (2):

Labcorp Genetics (formerly Invitae), Labcorp
Classification: Uncertain significance for Idiopathic generalized epilepsy; Hyperaldosteronism, familial, type IV. Last evaluated: 2024-09-21. Review status: criteria provided, single submitter. Criteria: Invitae Variant Classification Sherloc (09022015). Collection method: clinical testing. Allele origin: germline.
Comment: This sequence change replaces alanine, which is neutral and non-polar, with serine, which is neutral and polar, at codon 1942 of the CACNA1H protein (p.Ala1942Ser). This variant is not present in population databases (gnomAD no frequency). This variant has not been reported in the literature in individuals affected with CACNA1H-related conditions. ClinVar contains an entry for this variant (Variation ID: 958059). Invitae Evidence Modeling of protein sequence and biophysical properties (such as structural, functional, and spatial information, amino acid conservation, physicochemical variation, residue mobility, and thermodynamic stability) indicates that this missense variant is not expected to disrupt CACNA1H protein function with a negative predictive value of 80%. In summary, the available evidence is currently insufficient to determine the role of this variant in disease. Therefore, it has been classified as a Variant of Uncertain Significance.

Fulgent Genetics
Classification: Uncertain significance for Epilepsy, childhood absence, susceptibility to, 6; Hyperaldosteronism, familial, type IV. Last evaluated: 2024-02-17. Review status: criteria provided, single submitter. Criteria: ACMG Guidelines, 2015. Collection method: clinical testing. Allele origin: germline.